The following is an entry in ClinVar:

ClinVar aggregate classification (germline): Likely benign (1 of 4 stars; one submission).

Submission:

Laboratory for Molecular Medicine, Mass General Brigham Personalized Medicine
Classification: Likely benign. Last evaluated: 2013-10-03. Review status: criteria provided, single submitter. Criteria: LMM Criteria. Collection method: clinical testing. Allele origin: germline. Observed: 1 variant allele.
Comment: 1170+15A>G in intron 13 of RYR2: This variant is not expected to have clinical s ignificance because it is not located within the splice consensus sequence. 11 70+15A>G in intron 13 of RYR2 (allele frequency = n/a)

NM_001035.3(RYR2):c.1170+15A>G

Gene: RYR2 (ryanodine receptor 2; plus strand). Cytogenetic location: 1q43.
Variant type: single nucleotide variant.
Coding change: c.1170+15A>G on transcript NM_001035.3 (MANE Select); 15 bases into the intron after coding-DNA position 1170, A replaced by G.
Molecular consequence: intron variant.
Genome position (GRCh38, 1-based): chr1:237,441,498, A>G. VCF-style: chr1-237441498-A-G. GRCh37 (hg19) VCF-style: chr1-237604798-A-G.
Identifiers: ClinVar variation 179354 (VCV000179354.5), dbSNP rs727504810, ClinGen allele CA007129.
Genomic context (GRCh38, chr1:237,441,498, plus strand): 5'-GTCTGTGGACGTGAAATCCGTGAGAATGGGATCTATACAACGTAAGGTAAGGTGATAGAA[A>G]AAAACATAATTTATAGAAGTAATTTTTTATGAATACACAAGCACAAGTCAAAAATAATTG-3'